The following is an entry in ClinVar:

NM_080680.3(COL11A2):c.2899-9del

Gene: COL11A2 (collagen type XI alpha 2 chain; minus strand). Cytogenetic location: 6p21.32.
Variant type: Deletion.
Coding change: c.2899-9del on transcript NM_080680.3 (MANE Select); 9 bases into the intron before coding-DNA position 2899, one base deleted (T; older notation c.2899-9delT).
Molecular consequence: intron variant.
Genome position (GRCh38, 1-based): chr6:33,172,387, A deleted on the plus strand (T on the coding strand, the reverse complement: COL11A2 is on the minus strand); the first of 3 consecutive A bases (chr6:33,172,387-33,172,389); deleting any one gives the same sequence. VCF-style (leftmost placement, unchanged base first): chr6-33172386-GA-G. GRCh37 (hg19) VCF-style: chr6-33140163-GA-G.
Other names: c.2899-9delT (NM_080680.3); c.2578-9del (NM_080679.3); c.2641-9del (NM_080681.3).
Identifiers: ClinVar variation 46563 (VCV000046563.21), dbSNP rs397517477, ClinGen allele CA138627.
Genomic context (GRCh38, chr6:33,172,386, plus strand): 5'-CTCAGACCAGCAGGACCATCCTTCCCTGGGGCCCCAGGGGGACCAGGGTCACCCTAAAAG[GA>G]AAGGAGAGGTGATGAGCCACAGCCATGCTCCCAAATTAAACAGAGAGCTCTCCAGCCCCC-3'

ClinVar aggregate classification (germline): Benign/Likely benign. Review status: criteria provided, multiple submitters, no conflicts (2 of 4 stars). 6 submissions from 6 submitters: Benign (5); Likely benign (1). Last evaluated 2026-05-13.

Submissions (6):

Women's Health and Genetics/Laboratory Corporation of America, LabCorp
Classification: Likely benign. Last evaluated: 2026-05-13. Review status: criteria provided, single submitter. Criteria: LabCorp Variant Classification Summary - May 2015. Collection method: clinical testing. Allele origin: germline.

Labcorp Genetics (formerly Invitae), Labcorp
Classification: Benign. Last evaluated: 2026-02-01. Review status: criteria provided, single submitter. Criteria: Invitae Variant Classification Sherloc (09022015). Collection method: clinical testing. Allele origin: germline.

ARUP Laboratories, Molecular Genetics and Genomics, ARUP Laboratories
Classification: Benign. Last evaluated: 2023-11-06. Review status: criteria provided, single submitter. Criteria: ARUP Molecular Germline Variant Investigation Process 2024. Collection method: clinical testing. Allele origin: germline.

GeneDx
Classification: Benign. Last evaluated: 2020-02-14. Review status: criteria provided, single submitter. Criteria: GeneDx Variant Classification Process June 2021. Collection method: clinical testing. Allele origin: germline. Affected: yes.

Eurofins Ntd Llc (ga)
Classification: Benign. Last evaluated: 2015-02-26. Review status: criteria provided, single submitter. Criteria: EGL Classification Definitions 2015. Collection method: clinical testing. Allele origin: germline. Observed: 1 variant allele, 1 heterozygote.

Laboratory for Molecular Medicine, Mass General Brigham Personalized Medicine
Classification: Benign. Last evaluated: 2013-03-01. Review status: criteria provided, single submitter. Criteria: LMM Criteria. Collection method: clinical testing. Allele origin: germline. Observed: 5 variant alleles.
Comment: c.2899-9delT in intron 39 of COL11A2: This variant is not expected to have clini cal significance because does not alter an amino acid residue, is not in the inv ariant -1/-2 positions of the splice consensus sequence, and has been identified in 1% (31/3296) of African Americans by the NHLBI Exome Sequencing Project.